The following is an entry in ClinVar:

ClinVar aggregate classification (germline): Uncertain significance. Review status: criteria provided, multiple submitters, no conflicts (2 of 4 stars). 2 submissions from 2 submitters: Uncertain significance (2). Last evaluated 2022-09-14.

Allele frequency attached by ClinVar (database versions not stated): gnomAD exomes below 0.00001.
gnomAD v4.1: 4 of 1,605,336 alleles (0.00025%); highest among the groups gnomAD compares: African/African-American, 0.0013%; no homozygotes.

Submissions (2):

Ambry Genetics
Classification: Uncertain significance. Last evaluated: 2022-09-14. Review status: criteria provided, single submitter. Criteria: Ambry Variant Classification Scheme 2023. Collection method: clinical testing. Allele origin: germline.

Labcorp Genetics (formerly Invitae), Labcorp
Classification: Uncertain significance. Last evaluated: 2021-10-17. Review status: criteria provided, single submitter. Criteria: Invitae Variant Classification Sherloc (09022015). Collection method: clinical testing. Allele origin: germline.
Comment: Algorithms developed to predict the effect of missense changes on protein structure and function output the following: SIFT: "Tolerated"; PolyPhen-2: "Benign"; Align-GVGD: "Class C0". The valine amino acid residue is found in multiple mammalian species, which suggests that this missense change does not adversely affect protein function. This variant has not been reported in the literature in individuals affected with MYLK3-related conditions. This variant is not present in population databases (ExAC no frequency). This sequence change replaces alanine with valine at codon 384 of the MYLK3 protein (p.Ala384Val). The alanine residue is weakly conserved and there is a small physicochemical difference between alanine and valine. In summary, the available evidence is currently insufficient to determine the role of this variant in disease. Therefore, it has been classified as a Variant of Uncertain Significance.

NM_182493.3(MYLK3):c.1151C>T (p.Ala384Val)

Gene: MYLK3 (myosin light chain kinase 3; minus strand). Cytogenetic location: 16q11.2.
Variant type: single nucleotide variant.
Coding change: c.1151C>T on transcript NM_182493.3 (MANE Select); coding-DNA position 1151, C replaced by T.
Protein change: p.Ala384Val; replaces alanine 384 with valine.
Molecular consequence: missense variant.
Genome position (GRCh38, 1-based): chr16:46,732,519, G>A on the plus strand (C>T on the coding strand, the complement: MYLK3 is on the minus strand). VCF-style: chr16-46732519-G-A. GRCh37 (hg19) VCF-style: chr16-46766431-G-A.
Other names: c.128C>T, p.Ala43Val (NM_001308301.1); c.1151C>T (NM_182493.2); short protein forms A384V, A43V.
Identifiers: ClinVar variation 1491860 (VCV001491860.7), dbSNP rs1212134576, ClinGen allele CA395792777.
Genomic context (GRCh38, chr16:46,732,519, plus strand): 5'-TGCAGCGGGGAGAGCTCTCTGGCTCCTTCAGGGGTCTGTTCTCCGGGCTCAGTCCCAGGG[G>A]CTTGGAGGCAGCGCCCGGTCCCAGGTGGGCCCTGCTTGCCTGGCTGGGCAGCTGCTGGAG-3'
Protein context (NP_872299.2, residues 374-394): GPPGTGRCLQ[Ala384Val]PGTEPGEQTP